The following is an entry in ClinVar:

NM_001320198.2(KRT86):c.-5+10305del

Genes: KRT81 (keratin 81; minus strand), KRT86 (keratin 86; plus strand). Cytogenetic location: 12q13.13.
Variant type: Deletion.
Coding change: c.-5+10305del on transcript NM_001320198.2 (MANE Select); 10305 bases into the intron after 5 bases upstream of the start codon, one base deleted (G; older notation c.-5+10305delG).
Molecular consequence: intron variant. On other transcripts: 3 prime UTR variant (1).
Genome position (GRCh38, 1-based): chr12:52,286,251, G deleted; the last of 4 consecutive G bases (chr12:52,286,248-52,286,251); deleting any one gives the same sequence. VCF-style (leftmost placement, unchanged base first): chr12-52286247-TG-T. GRCh37 (hg19) VCF-style: chr12-52680031-TG-T.
Other names: c.*7del (NM_002281.4).
Identifiers: ClinVar variation 2643010 (VCV002643010.25), dbSNP rs201146279, ClinGen allele CA6576274.

ClinVar aggregate classification (germline): Benign. Review status: criteria provided, single submitter (1 of 4 stars). 2 submissions from 2 submitters: Benign (1). 1 of the submissions does not count toward it. Last evaluated 2022-08-01.

Conditions:
KRT86-related disorder. Also called: KRT86-related condition.

Submissions (2):

CeGaT Center for Human Genetics Tuebingen
Classification: Benign. Last evaluated: 2022-08-01. Review status: criteria provided, single submitter. Criteria: CeGaT Center For Human Genetics Tuebingen Variant Classification Criteria Version 2. Collection method: clinical testing. Allele origin: germline. Affected: yes. Observed: 1 variant allele.
Comment: KRT86: BS1, BS2

PreventionGenetics, part of Exact Sciences
Classification: Benign for KRT86-related condition. Last evaluated: 2019-03-20. Review status: no assertion criteria provided. Collection method: clinical testing. Allele origin: germline. Not counted in ClinVar's aggregate classification.
Comment: This variant is classified as benign based on ACMG/AMP sequence variant interpretation guidelines (Richards et al. 2015 PMID: 25741868, with internal and published modifications).